The following is an entry in ClinVar:

ClinVar aggregate classification (germline): Uncertain significance. Review status: criteria provided, multiple submitters, no conflicts (2 of 4 stars). 3 submissions from 3 submitters: Uncertain significance (3). Last evaluated 2025-12-26.

Conditions:
Tuberous sclerosis 2 (TSC2). Identifiers: Orphanet 805, MedGen C1860707, MONDO:0013199, OMIM 613254.
Hereditary cancer-predisposing syndrome. Also called: Tumor predisposition; Hereditary neoplastic syndrome; Neoplastic Syndromes, Hereditary; Hereditary Cancer Syndrome. Identifiers: Orphanet 140162, MedGen C0027672, MeSH D009386, MONDO:0015356.

Submissions (3):

Dasa
Classification: Uncertain significance for Tuberous sclerosis 2. Last evaluated: 2025-12-26. Review status: criteria provided, single submitter. Criteria: DASA Assertion Criteria. Collection method: clinical testing. Allele origin: germline.
Comment: NM_000548.5(TSC2):c.5372G>A (p.Gly1791Asp) is a missense variant that results in the substitution of glycine with aspartic acid. This variant is absent from population databases. The currently available literature and clinical evidence are not sufficient to establish a definitive association between this variant and the reported condition. Therefore, this variant is classified as a variant of uncertain significance.

Ambry Genetics
Classification: Uncertain significance for Hereditary cancer-predisposing syndrome. Last evaluated: 2025-03-17. Review status: criteria provided, single submitter. Criteria: Ambry Variant Classification Scheme 2023. Collection method: clinical testing. Allele origin: germline.
Comment: The p.G1791D variant (also known as c.5372G>A), located in coding exon 41 of the TSC2 gene, results from a G to A substitution at nucleotide position 5372. The glycine at codon 1791 is replaced by aspartic acid, an amino acid with similar properties. This amino acid position is highly conserved in available vertebrate species. In addition, this alteration is predicted to be deleterious by in silico analysis. Based on the available evidence, the clinical significance of this variant remains unclear.

Labcorp Genetics (formerly Invitae), Labcorp
Classification: Uncertain significance for Tuberous sclerosis 2. Last evaluated: 2022-03-13. Review status: criteria provided, single submitter. Criteria: Invitae Variant Classification Sherloc (09022015). Collection method: clinical testing. Allele origin: germline.
Comment: In summary, the available evidence is currently insufficient to determine the role of this variant in disease. Therefore, it has been classified as a Variant of Uncertain Significance. Algorithms developed to predict the effect of missense changes on protein structure and function are either unavailable or do not agree on the potential impact of this missense change (SIFT: "Tolerated"; PolyPhen-2: "Probably Damaging"; Align-GVGD: "Class C0"). ClinVar contains an entry for this variant (Variation ID: 962136). This variant has not been reported in the literature in individuals affected with TSC2-related conditions. This variant is not present in population databases (gnomAD no frequency). This sequence change replaces glycine, which is neutral and non-polar, with aspartic acid, which is acidic and polar, at codon 1791 of the TSC2 protein (p.Gly1791Asp).

NM_000548.5(TSC2):c.5372G>A (p.Gly1791Asp)

Gene: TSC2 (TSC complex subunit 2; plus strand). Cytogenetic location: 16p13.3.
Variant type: single nucleotide variant.
Coding change: c.5372G>A on transcript NM_000548.5 (MANE Select); coding-DNA position 5372, G replaced by A.
Protein change: p.Gly1791Asp; replaces glycine 1791 with aspartic acid.
Molecular consequence: missense variant.
Genome position (GRCh38, 1-based): chr16:2,088,558, G>A. VCF-style: chr16-2088558-G-A. GRCh37 (hg19) VCF-style: chr16-2138559-G-A.
Other names: c.5171G>A, p.Gly1724Asp (NM_001077183.3); c.5303G>A, p.Gly1768Asp (NM_001114382.3); c.5063G>A, p.Gly1688Asp (NM_001318827.2); c.5027G>A, p.Gly1676Asp (NM_001318829.2); c.4640G>A, p.Gly1547Asp (NM_001318831.2); c.5204G>A, p.Gly1735Asp (NM_001318832.2); c.5174G>A, p.Gly1725Asp (NM_001363528.2); c.5240G>A, p.Gly1747Asp (NM_001370404.1); and 2 more; short protein forms G1547D, G1724D, G1747D, G1748D, G1791D, G1676D, G1688D, G1725D.
Identifiers: ClinVar variation 962136 (VCV000962136.13), dbSNP rs2091211512, ClinGen allele CA394315944.